The following is an entry in ClinVar:

ClinVar aggregate classification (germline): Uncertain significance (1 of 4 stars; one submission).

Allele frequency attached by ClinVar (database versions not stated): gnomAD exomes below 0.00001; TOPMed below 0.00001; gnomAD 0.00001.
gnomAD v4.1: 6 of 1,612,740 alleles (0.00037%); highest among the groups gnomAD compares: East Asian, 0.0022%; no homozygotes.

Submission:

Labcorp Genetics (formerly Invitae), Labcorp
Classification: Uncertain significance. Last evaluated: 2022-07-21. Review status: criteria provided, single submitter. Criteria: Invitae Variant Classification Sherloc (09022015). Collection method: clinical testing. Allele origin: germline.
Comment: This variant is present in population databases (no rsID available, gnomAD 0.01%). In summary, the available evidence is currently insufficient to determine the role of this variant in disease. Therefore, it has been classified as a Variant of Uncertain Significance. Algorithms developed to predict the effect of sequence changes on RNA splicing suggest that this variant may create or strengthen a splice site. Algorithms developed to predict the effect of missense changes on protein structure and function output the following: SIFT: "Tolerated"; PolyPhen-2: "Benign"; Align-GVGD: "Class C0". The valine amino acid residue is found in multiple mammalian species, which suggests that this missense change does not adversely affect protein function. This variant has not been reported in the literature in individuals affected with PLK4-related conditions. This sequence change replaces isoleucine, which is neutral and non-polar, with valine, which is neutral and non-polar, at codon 302 of the PLK4 protein (p.Ile302Val).

NM_014264.5(PLK4):c.904A>G (p.Ile302Val)

Gene: PLK4 (polo like kinase 4; plus strand). Cytogenetic location: 4q28.1.
Variant type: single nucleotide variant.
Coding change: c.904A>G on transcript NM_014264.5 (MANE Select); coding-DNA position 904, A replaced by G.
Protein change: p.Ile302Val; replaces isoleucine 302 with valine.
Molecular consequence: missense variant.
Genome position (GRCh38, 1-based): chr4:127,886,274, A>G. VCF-style: chr4-127886274-A-G. GRCh37 (hg19) VCF-style: chr4-128807429-A-G.
Other names: c.808A>G, p.Ile270Val (NM_001190799.2); c.781A>G, p.Ile261Val (NM_001190801.2); short protein forms I270V, I302V, I261V.
Identifiers: ClinVar variation 1962999 (VCV001962999.3), dbSNP rs1428881318, ClinGen allele CA358151346.